The following is an entry in ClinVar:

ClinVar aggregate classification (germline): Likely benign (1 of 4 stars; one submission).

gnomAD v4.1: 143 of 1,605,980 alleles (0.0089%); highest among the groups gnomAD compares: Admixed American, 0.017%; no homozygotes.

Submission:

CeGaT Center for Human Genetics Tuebingen
Classification: Likely benign. Last evaluated: 2025-12-01. Review status: criteria provided, single submitter. Criteria: CeGaT Center For Human Genetics Tuebingen Variant Classification Criteria Version 2. Collection method: clinical testing. Allele origin: germline. Affected: yes. Observed: 1 variant allele.
Comment: JAG2: BP4, BP7

NM_002226.5(JAG2):c.3141C>T (p.His1047=)

Gene: JAG2 (jagged canonical Notch ligand 2; minus strand). Cytogenetic location: 14q32.33.
Variant type: single nucleotide variant.
Coding change: c.3141C>T on transcript NM_002226.5 (MANE Select); coding-DNA position 3141, C replaced by T.
Protein change: p.His1047=; no amino-acid change (histidine 1047 retained).
Molecular consequence: synonymous variant.
Genome position (GRCh38, 1-based): chr14:105,143,582, G>A on the plus strand (C>T on the coding strand, the complement: JAG2 is on the minus strand). VCF-style: chr14-105143582-G-A. GRCh37 (hg19) VCF-style: chr14-105609919-G-A.
Other names: c.3027C>T, p.His1009= (NM_145159.3).
Identifiers: ClinVar variation 4681434 (VCV004681434.5).